The following is an entry in ClinVar:

ClinVar aggregate classification (germline): Uncertain significance (1 of 4 stars; one submission).

Submission:

GeneDx
Classification: Uncertain significance. Last evaluated: 2023-03-15. Review status: criteria provided, single submitter. Criteria: GeneDx Variant Classification Process June 2021. Collection method: clinical testing. Allele origin: germline. Affected: yes.
Comment: Not observed at significant frequency in large population cohorts (gnomAD); In silico analysis supports that this missense variant has a deleterious effect on protein structure/function; Has not been previously published as pathogenic or benign to our knowledge

NM_001377.3(DYNC2H1):c.4349T>C (p.Ile1450Thr)

Gene: DYNC2H1 (dynein cytoplasmic 2 heavy chain 1; plus strand). Cytogenetic location: 11q22.3.
Variant type: single nucleotide variant.
Coding change: c.4349T>C on transcript NM_001377.3 (MANE Select); coding-DNA position 4349, T replaced by C.
Protein change: p.Ile1450Thr; replaces isoleucine 1450 with threonine.
Molecular consequence: missense variant.
Genome position (GRCh38, 1-based): chr11:103,158,998, T>C. VCF-style: chr11-103158998-T-C. GRCh37 (hg19) VCF-style: chr11-103029727-T-C.
Other names: c.4349T>C, p.Ile1450Thr (NM_001080463.2); short protein forms I1450T.
Identifiers: ClinVar variation 2579868 (VCV002579868.1), dbSNP rs2497076449, ClinGen allele CA382276489.